The following is an entry in ClinVar:

ClinVar aggregate classification (germline): Uncertain significance. Review status: criteria provided, multiple submitters, no conflicts (2 of 4 stars). 2 submissions from 2 submitters: Uncertain significance (2). Last evaluated 2024-07-10.

Conditions:
Hereditary cancer-predisposing syndrome. Also called: Tumor predisposition; Hereditary Cancer Syndrome; Hereditary neoplastic syndrome; Neoplastic Syndromes, Hereditary. Identifiers: Orphanet 140162, MedGen C0027672, MeSH D009386, MONDO:0015356.
Ataxia-telangiectasia syndrome (AT). Also called: ATAXIA-TELANGIECTASIA, COMPLEMENTATION GROUP A; ATAXIA-TELANGIECTASIA, FRESNO VARIANT; Ataxia-telangiectasia; Ataxia-telangiectasia, complementation group E; LOUIS-BAR SYNDROME; Cerebello-oculocutaneous telangiectasia. Identifiers: Orphanet 100, MedGen C0004135, MONDO:0008840, OMIM 208900.

Allele frequency attached by ClinVar (database versions not stated): gnomAD exomes below 0.00001.
gnomAD v4.1: 1 of 1,613,226 alleles (0.000062%); highest among the groups gnomAD compares: East Asian, 0.0022%; no homozygotes.

Submissions (2):

Ambry Genetics
Classification: Uncertain significance for Hereditary cancer-predisposing syndrome. Last evaluated: 2024-07-10. Review status: criteria provided, single submitter. Criteria: Ambry Variant Classification Scheme 2023. Collection method: clinical testing. Allele origin: germline.
Comment: The p.N2603Y variant (also known as c.7807A>T), located in coding exon 52 of the ATM gene, results from an A to T substitution at nucleotide position 7807. The asparagine at codon 2603 is replaced by tyrosine, an amino acid with dissimilar properties. This alteration was observed in 1/7051 unselected female breast cancer patients and was observed in 1/11241 female controls of Japanese ancestry. In addition, it was not observed in 53 unselected male breast cancer patients and was observed in 6/12490 male controls of Japanese ancestry (Momozawa Y et al. Nat Commun, 2018 Oct;9:4083). This amino acid position is not well conserved in available vertebrate species. In addition, this alteration is predicted to be tolerated by in silico analysis. Based on the available evidence, the clinical significance of this variant remains unclear.

Labcorp Genetics (formerly Invitae), Labcorp
Classification: Uncertain significance for Ataxia-telangiectasia syndrome. Last evaluated: 2023-06-27. Review status: criteria provided, single submitter. Criteria: Invitae Variant Classification Sherloc (09022015). Collection method: clinical testing. Allele origin: germline.
Comment: This variant is not present in population databases (gnomAD no frequency). This sequence change replaces asparagine, which is neutral and polar, with tyrosine, which is neutral and polar, at codon 2603 of the ATM protein (p.Asn2603Tyr). In summary, the available evidence is currently insufficient to determine the role of this variant in disease. Therefore, it has been classified as a Variant of Uncertain Significance. An algorithm developed to predict the effect of missense changes on protein structure and function (PolyPhen-2) suggests that this variant is likely to be tolerated. This missense change has been observed in individual(s) with breast cancer (PMID: 30287823).

Literature cited by the submitters: PubMed 30287823 (cited by Ambry Genetics and Labcorp Genetics (formerly Invitae), Labcorp).

NM_000051.4(ATM):c.7807A>T (p.Asn2603Tyr)

Genes: ATM (ATM serine/threonine kinase; plus strand), C11orf65 (chromosome 11 open reading frame 65; minus strand). Cytogenetic location: 11q22.3.
Variant type: single nucleotide variant.
Coding change: c.7807A>T on transcript NM_000051.4 (MANE Select); coding-DNA position 7807, A replaced by T.
Protein change: p.Asn2603Tyr; replaces asparagine 2603 with tyrosine.
Molecular consequence: missense variant. On other transcripts: intron variant (2).
Genome position (GRCh38, 1-based): chr11:108,332,780, A>T. VCF-style: chr11-108332780-A-T. GRCh37 (hg19) VCF-style: chr11-108203507-A-T.
Other names: c.7807A>T, p.Asn2603Tyr (NM_001351834.2); c.641-23709T>A (NM_001330368.2); c.*38+2440T>A (NM_001351110.2); short protein forms N2603Y.
Identifiers: ClinVar variation 2910291 (VCV002910291.4), dbSNP rs1591178124, ClinGen allele CA382561275.
Genomic context (GRCh38, chr11:108,332,780, plus strand): 5'-TGGGTAGTTCCTTATGTAATGTTTTTTGTTTTTTATTAATAGGATCGAACAGAGGCTGCA[A>T]ATAGAATAATATGTACTATCAGAAGTAGGAGACCTCAGATGGTCAGAAGTGTTGAGGCAC-3'
Protein context (NP_000042.3, residues 2593-2613): QLDEDRTEAA[Asn2603Tyr]RIICTIRSRR